The following is an entry in ClinVar:

ClinVar aggregate classification (germline): Uncertain significance (1 of 4 stars; one submission).

Allele frequency attached by ClinVar (database versions not stated): TOPMed below 0.00001; ExAC 0.00001; gnomAD 0.00001; gnomAD exomes 0.00003.
gnomAD v4.1: 41 of 1,607,052 alleles (0.0026%); highest among the groups gnomAD compares: South Asian, 0.0033%; no homozygotes.

Submission:

Ambry Genetics
Classification: Uncertain significance. Last evaluated: 2023-07-20. Review status: criteria provided, single submitter. Criteria: Ambry Variant Classification Scheme 2023. Collection method: clinical testing. Allele origin: germline.
Comment: The p.Y274C variant (also known as c.821A>G), located in coding exon 1 of the EGLN2 gene, results from an A to G substitution at nucleotide position 821. The tyrosine at codon 274 is replaced by cysteine, an amino acid with highly dissimilar properties. This amino acid position is conserved. In addition, the in silico prediction for this alteration is inconclusive. Since supporting evidence is limited at this time, the clinical significance of this alteration remains unclear.

NM_080732.4(EGLN2):c.821A>G (p.Tyr274Cys)

Genes: EGLN2 (egl-9 family hypoxia inducible factor 2; plus strand), RAB4B-EGLN2 (RAB4B-EGLN2 readthrough (NMD candidate); plus strand). Cytogenetic location: 19q13.2.
Variant type: single nucleotide variant.
Coding change: c.821A>G on transcript NM_080732.4 (MANE Select); coding-DNA position 821, A replaced by G.
Protein change: p.Tyr274Cys; replaces tyrosine 274 with cysteine.
Molecular consequence: missense variant. On other transcripts: non-coding transcript variant (1).
Genome position (GRCh38, 1-based): chr19:40,801,393, A>G. VCF-style: chr19-40801393-A-G. GRCh37 (hg19) VCF-style: chr19-41307298-A-G.
Other names: c.821A>G, p.Tyr274Cys (NM_053046.4); short protein forms Y274C.
Identifiers: ClinVar variation 1762496 (VCV001762496.3), dbSNP rs748906273, ClinGen allele CA9452314.